The following is an entry in ClinVar:

ClinVar aggregate classification (germline): Likely pathogenic (1 of 4 stars; one submission).

Conditions:
Rare genetic deafness. Identifiers: Orphanet 96210, MedGen C5680250.

Submission:

Laboratory for Molecular Medicine, Mass General Brigham Personalized Medicine
Classification: Likely pathogenic for Rare genetic deafness. Last evaluated: 2018-04-17. Review status: criteria provided, single submitter. Criteria: LMM Criteria. Collection method: clinical testing. Allele origin: germline. Inheritance: Autosomal recessive inheritance. Observed: 1 variant allele.
Comment: It was also identified in 1/111712 of Europ ean chromosomes by the Genome Aggregation Database (gnomAD; dbSNP rs756030149). This variant is predicted to cause a frameshif t, which alters the protein?s amino acid sequence beginning at position 31 and l eads to a premature termination codon 41 amino acids downstream. This alteration is then predicted to lead to a truncated or absent protein. In summary, althoug h additional studies are required to fully establish its clinical significance, the p.Thr31fs variant is likely pathogenic. ACMG/AMP Criteria applied: PVS1_Stro ng; PP1; PM2.

Literature cited by the submitters: PubMed 21816241.

NM_182548.4(LHFPL5):c.89dup (p.Thr31fs)

Gene: LHFPL5 (LHFPL tetraspan subfamily member 5; plus strand). Cytogenetic location: 6p21.31.
Variant type: Duplication.
Coding change: c.89dup on transcript NM_182548.4 (MANE Select); coding-DNA position 89, one base duplicated (G; older notation c.89dupG).
Protein change: p.Thr31fs; shifts the reading frame from threonine 31.
Molecular consequence: frameshift variant.
Genome position (GRCh38, 1-based): chr6:35,805,759, G duplicated; the last of 4 consecutive G bases (chr6:35,805,756-35,805,759); duplicating any one gives the same sequence. VCF-style (leftmost placement, unchanged base first): chr6-35805755-T-TG. GRCh37 (hg19) VCF-style: chr6-35773532-T-TG.
Other names: short protein forms T31fs.
Identifiers: ClinVar variation 667378 (VCV000667378.4), dbSNP rs756030149, ClinGen allele CA3774334.
Genomic context (GRCh38, chr6:35,805,755, plus strand): 5'-GAGGCAGCCAAGATCTACCATACCAACTATGTGCGGAACTCGCGAGCCGTGGGCGTGATG[T>TG]GGGGTACCCTCACCATCTGCTTCTCCGTACTGGTCATGGCCCTCTTCATCCAGCCCTACT-3'